The following is an entry in ClinVar:

ClinVar aggregate classification (germline): Uncertain significance (1 of 4 stars; one submission).

gnomAD v4.1: 1 of 1,613,982 alleles (0.000062%); highest among the groups gnomAD compares: Non-Finnish European, 0.000085%; no homozygotes.

Submission:

Labcorp Genetics (formerly Invitae), Labcorp
Classification: Uncertain significance. Last evaluated: 2021-07-26. Review status: criteria provided, single submitter. Criteria: Invitae Variant Classification Sherloc (09022015). Collection method: clinical testing. Allele origin: germline.
Comment: In summary, the available evidence is currently insufficient to determine the role of this variant in disease. Therefore, it has been classified as a Variant of Uncertain Significance. Algorithms developed to predict the effect of missense changes on protein structure and function are either unavailable or do not agree on the potential impact of this missense change (SIFT: "Not Available"; PolyPhen-2: "Benign"; Align-GVGD: "Not Available"). This variant has not been reported in the literature in individuals affected with POLR1A-related conditions. This variant is not present in population databases (ExAC no frequency). This sequence change replaces serine with threonine at codon 731 of the POLR1A protein (p.Ser731Thr). The serine residue is moderately conserved and there is a small physicochemical difference between serine and threonine.

NM_015425.6(POLR1A):c.2191T>A (p.Ser731Thr)

Gene: POLR1A (RNA polymerase I subunit A; minus strand). Cytogenetic location: 2p11.2.
Variant type: single nucleotide variant.
Coding change: c.2191T>A on transcript NM_015425.6 (MANE Select); coding-DNA position 2191, T replaced by A.
Protein change: p.Ser731Thr; replaces serine 731 with threonine.
Molecular consequence: missense variant.
Genome position (GRCh38, 1-based): chr2:86,054,157, A>T on the plus strand (T>A on the coding strand, the complement: POLR1A is on the minus strand). VCF-style: chr2-86054157-A-T. GRCh37 (hg19) VCF-style: chr2-86281280-A-T.
Other names: short protein forms S731T.
Identifiers: ClinVar variation 1521813 (VCV001521813.8), dbSNP rs1178337142, ClinGen allele CA347543296.